The following is an entry in ClinVar:

NM_001429.4(EP300):c.2778C>T (p.Thr926=)

Gene: EP300 (EP300 lysine acetyltransferase; plus strand). Cytogenetic location: 22q13.2.
Variant type: single nucleotide variant.
Coding change: c.2778C>T on transcript NM_001429.4 (MANE Select); coding-DNA position 2778, C replaced by T.
Protein change: p.Thr926=; no amino-acid change (threonine 926 retained).
Molecular consequence: synonymous variant.
Genome position (GRCh38, 1-based): chr22:41,150,159, C>T. VCF-style: chr22-41150159-C-T. GRCh37 (hg19) VCF-style: chr22-41546163-C-T.
Other names: c.2700C>T, p.Thr900= (NM_001362843.2).
Identifiers: ClinVar variation 3357755 (VCV003357755.2).
Genomic context (GRCh38, chr22:41,150,159, plus strand): 5'-TGCTGACCAGCCCCAGCAGCAGCCTCGCTCACAGCAGAGCACAGCAGCGTCTGTTCCTAC[C>T]CCAACAGCACCGCTGCTTCCTCCGCAGCCTGCAACTCCAGTAAGTAGAGATTTGGATTTA-3'
Protein context (NP_001420.2, residues 916-936): SQQSTAASVP[Thr926=]PTAPLLPPQP

ClinVar aggregate classification (germline): Likely benign. Review status: criteria provided, single submitter (1 of 4 stars). 2 submissions from 2 submitters: Likely benign (1). 1 of the submissions does not count toward it. Last evaluated 2022-02-14.

Conditions:
EP300-related disorder. Also called: EP300-related disorders; EP300-related condition.

gnomAD v4.1: 42 of 1,611,132 alleles (0.0026%); highest among the groups gnomAD compares: South Asian, 0.043%; no homozygotes.

Submissions (2):

Blueprint Genetics
Classification: Likely benign. Last evaluated: 2022-02-14. Review status: criteria provided, single submitter. Criteria: ACMG Guidelines, 2015. Collection method: clinical testing. Allele origin: germline.

PreventionGenetics, part of Exact Sciences
Classification: Likely benign for EP300-related condition. Last evaluated: 2022-03-25. Review status: no assertion criteria provided. Collection method: clinical testing. Allele origin: germline. Not counted in ClinVar's aggregate classification.
Comment: This variant is classified as likely benign based on ACMG/AMP sequence variant interpretation guidelines (Richards et al. 2015 PMID: 25741868, with internal and published modifications).